The following is an entry in ClinVar:

ClinVar aggregate classification (germline): Pathogenic (1 of 4 stars; one submission).

Submission:

Illumina Laboratory Services, Illumina
Classification: Pathogenic. Last evaluated: 2019-11-26. Review status: criteria provided, single submitter. Criteria: ICSL CNVClassificationCriteria Jul2020Prior. Collection method: clinical testing. Allele origin: unknown.
Comment: This CNV is a 5.8 Mb deletion of 1q42.2-1q43 on chromosome 1, (seq[GRCh37]del(1)(q42.2q43); chr1:g.231407943_237289859del) which has been found in a de novo state. The CNV constitutes a loss encompassing 55 genes and partially overlaps deletions in 1q4 that have been described in the literature (De Vries et al. 2001; Kanemoto et al. 2006; CÃ³rdova-Fletes et al. 2008; Radha Rama Devi et al. 2019). In addition, a deletion fully encompassed within the CNV observed in the proband has been described in DECIPHER (Firth et al. 2009). The 1q4 deletions, which typically occur de novo, are diverse in terms of size and breakpoints and are associated with phenotypic variability. The primary features include developmental delay, intellectual disability, seizures, microcephaly, and midline defects such as cleft palate and corpus callosum abnormalities. Dysmorphic facial features most commonly include deep-set eyes, epicanthal folds, round face with prominent forehead, flat nasal bridge, and short nose with long philtrum. Additional features seen in some affected individuals include heart anomalies, urogenital anomalies, skeletal defects, and strabismus. While interstitial 1q41q42 deletions and 1q43q44 terminal deletions have been more commonly reported to date, non-terminal 1q4 deletions that spare q41 have also been reported (Kanemoto et al. 2006; CÃ³rdova-Fletes et al. 2008; Firth et al. 2009; Radha Rama Devi et al. 2019). Deletions of a similar size have not been reported in controls (Cooper et al. 2011; MacDonald et al. 2014). Based on the collective evidence, this CNV is classified as pathogenic.

Literature cited by the submitters: PubMed 11303509; PubMed 16762826; PubMed 18564503; PubMed 19344873; PubMed 21841781; PubMed 24174537; PubMed 31191205.

GRCh37/hg19 1q42.2-43(chr1:231407943-237289859)x1

Genes: SLC35F3 (solute carrier family 35 member F3; plus strand), SPRTN (SprT-like N-terminal domain; plus strand), TARBP1 (tRNA guanosine 2 -O-methyltransferase TARBP1; minus strand), ACTN2 (actinin alpha 2; plus strand), ARID4B (AT-rich interaction domain 4B; minus strand) and 31 more. Cytogenetic location: 1q42.2-43.
Variant type: copy number loss.
Change: copy number 1 (one copy instead of two) of chr1:231,407,943-237,289,859 (5.88 Mb, GRCh37 coordinates, 1-based), cytogenetic band 1q42.2-43.
Identifiers: ClinVar variation 1180519 (VCV001180519.4).